The following is an entry in ClinVar:

NM_139318.5(KCNH5):c.1865C>T (p.Thr622Ile)

Gene: KCNH5 (potassium voltage-gated channel subfamily H member 5; minus strand). Cytogenetic location: 14q23.2.
Variant type: single nucleotide variant.
Coding change: c.1865C>T on transcript NM_139318.5 (MANE Select); coding-DNA position 1865, C replaced by T.
Protein change: p.Thr622Ile; replaces threonine 622 with isoleucine.
Molecular consequence: missense variant. On other transcripts: intron variant (1).
Genome position (GRCh38, 1-based): chr14:62,779,882, G>A on the plus strand (C>T on the coding strand, the complement: KCNH5 is on the minus strand). VCF-style: chr14-62779882-G-A. GRCh37 (hg19) VCF-style: chr14-63246600-G-A.
Other names: c.1822+22447C>T (NM_172375.3); c.1865C>T (NM_139318.3); short protein forms T622I.
Identifiers: ClinVar variation 838252 (VCV000838252.11), dbSNP rs376649352, ClinGen allele CA7217391.

ClinVar aggregate classification (germline): Uncertain significance. Review status: criteria provided, multiple submitters, no conflicts (2 of 4 stars). 2 submissions from 2 submitters: Uncertain significance (2). Last evaluated 2025-01-03.

Conditions:
Early-infantile DEE. Also called: Ohtahara syndrome; Early infantile epileptic encephalopathy with suppression bursts; Early infantile epileptic encephalopathy. Identifiers: Orphanet 1934, MedGen C0393706, MONDO:0800491.
Inborn genetic diseases. Identifiers: MedGen C0950123, MeSH D030342.

Allele frequency attached by ClinVar (database versions not stated): ExAC 0.00002; gnomAD 0.00002; gnomAD exomes 0.00002 and 0.00003; TOPMed 0.00003; ESP Exome Variant Server 0.00008.
gnomAD v4.1: 45 of 1,613,622 alleles (0.0028%); highest among the groups gnomAD compares: Non-Finnish European, 0.0036%; no homozygotes.

Submissions (2):

Ambry Genetics
Classification: Uncertain significance for Inborn genetic diseases. Last evaluated: 2025-01-03. Review status: criteria provided, single submitter. Criteria: Ambry Variant Classification Scheme 2023. Collection method: clinical testing. Allele origin: germline.

Labcorp Genetics (formerly Invitae), Labcorp
Classification: Uncertain significance for Early-infantile DEE. Last evaluated: 2024-12-15. Review status: criteria provided, single submitter. Criteria: Invitae Variant Classification Sherloc (09022015). Collection method: clinical testing. Allele origin: germline.
Comment: This sequence change replaces threonine, which is neutral and polar, with isoleucine, which is neutral and non-polar, at codon 622 of the KCNH5 protein (p.Thr622Ile). This variant is present in population databases (rs376649352, gnomAD 0.003%). This variant has not been reported in the literature in individuals affected with KCNH5-related conditions. ClinVar contains an entry for this variant (Variation ID: 838252). An algorithm developed to predict the effect of missense changes on protein structure and function (PolyPhen-2) suggests that this variant is likely to be disruptive. In summary, the available evidence is currently insufficient to determine the role of this variant in disease. Therefore, it has been classified as a Variant of Uncertain Significance.